The following is an entry in ClinVar:

NM_022124.6(CDH23):c.6512G>A (p.Arg2171His)

Gene: CDH23 (cadherin related 23; plus strand). Cytogenetic location: 10q22.1.
Variant type: single nucleotide variant.
Coding change: c.6512G>A on transcript NM_022124.6 (MANE Select); coding-DNA position 6512, G replaced by A.
Protein change: p.Arg2171His; replaces arginine 2171 with histidine.
Molecular consequence: missense variant.
Genome position (GRCh38, 1-based): chr10:71,793,440, G>A. VCF-style: chr10-71793440-G-A. GRCh37 (hg19) VCF-style: chr10-73553197-G-A.
Other names: c.6512G>A (NM_022124.5); short protein forms R2171H.
Identifiers: ClinVar variation 1174004 (VCV001174004.7), dbSNP rs531513127, ClinGen allele CA5546097.
Genomic context (GRCh38, chr10:71,793,440, plus strand): 5'-CCGTTCCTCTCTCGGGCACAGCCATTGTCACCATTCTGATCGATGACATCAATGACTCCC[G>A]CCCCGAGTTCCTCAACCCCATCCAGACAGTGAGCGTGCTGGAGTCGGCTGAGCCAGGCAC-3'
Protein context (NP_071407.4, residues 2161-2181): TILIDDINDS[Arg2171His]PEFLNPIQTV

ClinVar aggregate classification (germline): Conflicting classifications of pathogenicity. Review status: criteria provided, conflicting classifications (1 of 4 stars). 4 submissions from 4 submitters: Likely pathogenic (1); Uncertain significance (3). Last evaluated 2026-09-23.

Conditions:
Meniere disease. Also called: Ménière's disease. Identifiers: MedGen C0025281, MONDO:0007972, OMIM 156000.

Allele frequency attached by ClinVar (database versions not stated): TOPMed 0.00005; gnomAD 0.00006; 1000 Genomes Project 0.00020; 1000 Genomes Project 30x 0.00016.
gnomAD v4.1: 65 of 1,613,934 alleles (0.004%); highest among the groups gnomAD compares: Admixed American, 0.013%; no homozygotes.

Submissions (4):

GeneDx
Classification: Uncertain significance. Last evaluated: 2026-09-23. Review status: criteria provided, single submitter. Criteria: GeneDx Variant Classification Process June 2021. Collection method: clinical testing. Allele origin: germline.
Comment: Observed in the heterozygous state in a patient with Meniere's disease in published literature; this patient also harbored a variant in another gene that may contribute to the phenotype (PMID: 34391192); In silico analysis suggests that this missense variant does not alter protein structure/function; This variant is associated with the following publications: (PMID: 37022572, 34391192)

Blueprint Genetics
Classification: Uncertain significance. Last evaluated: 2024-09-05. Review status: criteria provided, single submitter. Criteria: ACMG Guidelines, 2015. Collection method: clinical testing. Allele origin: germline.

Labcorp Genetics (formerly Invitae), Labcorp
Classification: Uncertain significance. Last evaluated: 2022-10-13. Review status: criteria provided, single submitter. Criteria: Invitae Variant Classification Sherloc (09022015). Collection method: clinical testing. Allele origin: germline.
Comment: This sequence change replaces arginine, which is basic and polar, with histidine, which is basic and polar, at codon 2171 of the CDH23 protein (p.Arg2171His). This variant is present in population databases (rs531513127, gnomAD 0.02%). This variant has not been reported in the literature in individuals affected with CDH23-related conditions. ClinVar contains an entry for this variant (Variation ID: 1174004). Advanced modeling of protein sequence and biophysical properties (such as structural, functional, and spatial information, amino acid conservation, physicochemical variation, residue mobility, and thermodynamic stability) performed at Invitae indicates that this missense variant is not expected to disrupt CDH23 protein function. In summary, the available evidence is currently insufficient to determine the role of this variant in disease. Therefore, it has been classified as a Variant of Uncertain Significance.

Otology & Neurotology- Genomics of vestibular disorders (CTS-495), Jose Antonio López Escámez, Centro Pfizer - Universidad de Granada - Junta de Andalucía de Genómica e Investigación Oncológica (GENYO)
Classification: Likely pathogenic for Meniere disease. Last evaluated: 2021-06-21. Review status: criteria provided, single submitter. Criteria: ACMG Guidelines, 2015. Collection method: case-control. Allele origin: inherited. Affected: yes.
Comment: Digenic inheritance along with NM_000260.4:c.4635G>A(MYO7A)